The following is an entry in ClinVar:

ClinVar aggregate classification (germline): Uncertain significance (1 of 4 stars; one submission).

Conditions:
Familial cancer of breast. Also called: BREAST CANCER, FAMILIAL; hereditary breast carcinoma; Hereditary breast cancer. Identifiers: Orphanet 227535, MedGen C0346153, MONDO:0016419, OMIM 114480. Disease mechanism: loss of function.
Fanconi anemia complementation group J. Also called: BRIP1-Related Fanconi Anemia. Identifiers: Orphanet 84, MedGen C1836860, MONDO:0012187, OMIM 609054.

Submission:

Labcorp Genetics (formerly Invitae), Labcorp
Classification: Uncertain significance for Familial cancer of breast; Fanconi anemia complementation group J. Last evaluated: 2025-07-21. Review status: criteria provided, single submitter. Criteria: Invitae Variant Classification Sherloc (09022015). Collection method: clinical testing. Allele origin: germline.
Comment: This sequence change replaces glycine, which is neutral and non-polar, with serine, which is neutral and polar, at codon 657 of the BRIP1 protein (p.Gly657Ser). This variant is not present in population databases (gnomAD no frequency). This variant has not been reported in the literature in individuals affected with BRIP1-related conditions. ClinVar contains an entry for this variant (Variation ID: 2953041). Invitae Evidence Modeling of protein sequence and biophysical properties (such as structural, functional, and spatial information, amino acid conservation, physicochemical variation, residue mobility, and thermodynamic stability) has been performed for this missense variant. However, the output from this modeling did not meet the statistical confidence thresholds required to predict the impact of this variant on BRIP1 protein function. In summary, the available evidence is currently insufficient to determine the role of this variant in disease. Therefore, it has been classified as a Variant of Uncertain Significance.

NM_032043.3(BRIP1):c.1969G>A (p.Gly657Ser)

Gene: BRIP1 (BRCA1 interacting DNA helicase 1; minus strand). Cytogenetic location: 17q23.2.
Variant type: single nucleotide variant.
Coding change: c.1969G>A on transcript NM_032043.3 (MANE Select); coding-DNA position 1969, G replaced by A.
Protein change: p.Gly657Ser; replaces glycine 657 with serine.
Molecular consequence: missense variant.
Genome position (GRCh38, 1-based): chr17:61,776,529, C>T on the plus strand (G>A on the coding strand, the complement: BRIP1 is on the minus strand). VCF-style: chr17-61776529-C-T. GRCh37 (hg19) VCF-style: chr17-59853890-C-T.
Other names: short protein forms G657S.
Identifiers: ClinVar variation 2953041 (VCV002953041.3), dbSNP rs1051619247, ClinGen allele CA400478529.